The following is an entry in ClinVar:

ClinVar aggregate classification (germline): Uncertain significance (1 of 4 stars; one submission).

Conditions:
NRP2-related disorder. Also called: NRP2-related condition.

Submission:

PreventionGenetics, part of Exact Sciences
Classification: Uncertain significance for NRP2-related condition. Last evaluated: 2026-08-12. Review status: criteria provided, single submitter. Criteria: ACMG Guidelines, 2015. Collection method: clinical testing. Allele origin: germline.
Comment: The NRP2 c.2540C>G variant is predicted to result in the amino acid substitution p.Ser847Cys. To our knowledge, this variant has not been reported in the literature or in a large population database, indicating this variant is rare. At this time, the clinical significance of this variant is uncertain due to the absence of conclusive functional and genetic evidence.

NM_003872.3(NRP2):c.2425+9557C>G

Gene: NRP2 (neuropilin 2; plus strand). Cytogenetic location: 2q33.3.
Variant type: single nucleotide variant.
Coding change: c.2425+9557C>G on transcript NM_003872.3 (MANE Select); 9557 bases into the intron after coding-DNA position 2425, C replaced by G.
Molecular consequence: intron variant. On other transcripts: missense variant (2).
Genome position (GRCh38, 1-based): chr2:205,776,360, C>G. VCF-style: chr2-205776360-C-G. GRCh37 (hg19) VCF-style: chr2-206641084-C-G.
Other names: c.2555C>G, p.Ser852Cys (NM_018534.4); c.2540C>G, p.Ser847Cys (NM_201267.2); c.2440+9542C>G (NM_201266.2); c.2425+9557C>G (NM_201279.2); short protein forms S847C, S852C.
Identifiers: ClinVar variation 3357530 (VCV003357530.2).